The following is an entry in ClinVar:

NM_000433.4(NCF2):c.289G>C (p.Ala97Pro)

Gene: NCF2 (neutrophil cytosolic factor 2; minus strand). Cytogenetic location: 1q25.3.
Variant type: single nucleotide variant.
Coding change: c.289G>C on transcript NM_000433.4 (MANE Select); coding-DNA position 289, G replaced by C.
Protein change: p.Ala97Pro; replaces alanine 97 with proline.
Molecular consequence: missense variant.
Genome position (GRCh38, 1-based): chr1:183,577,676, C>G on the plus strand (G>C on the coding strand, the complement: NCF2 is on the minus strand). VCF-style: chr1-183577676-C-G. GRCh37 (hg19) VCF-style: chr1-183546811-C-G.
Other names: c.289G>C, p.Ala97Pro (NM_001127651.3, NM_001190789.2, NM_001190794.2); short protein forms A97P.
Identifiers: ClinVar variation 1520812 (VCV001520812.6), dbSNP rs1558101108, ClinGen allele CA343679476.

ClinVar aggregate classification (germline): Uncertain significance (1 of 4 stars; one submission).

Conditions:
Granulomatous disease, chronic, autosomal recessive, cytochrome b-positive, type 2. Also called: Chronic granulomatous disease due to deficiency of NCF-2; Chronic Granulomatous Disease, Autosomal Recessive, Cytochrome b-Positive, Type II; CGD, AUTOSOMAL RECESSIVE CYTOCHROME b-POSITIVE, TYPE II; GRANULOMATOUS DISEASE, CHRONIC, DUE TO NCF2 DEFICIENCY; GRANULOMATOUS DISEASE, CHRONIC, AUTOSOMAL RECESSIVE, 2. Identifiers: Orphanet 379, MedGen C1856245, MONDO:0009310, OMIM 233710.

Submission:

Labcorp Genetics (formerly Invitae), Labcorp
Classification: Uncertain significance for Granulomatous disease, chronic, autosomal recessive, cytochrome b-positive, type 2. Last evaluated: 2021-12-03. Review status: criteria provided, single submitter. Criteria: Invitae Variant Classification Sherloc (09022015). Collection method: clinical testing. Allele origin: germline.
Comment: In summary, the available evidence is currently insufficient to determine the role of this variant in disease. Therefore, it has been classified as a Variant of Uncertain Significance. This variant disrupts the p.Ala97 amino acid residue in NCF2. Other variant(s) that disrupt this residue have been observed in individuals with NCF2-related conditions (PMID: 32281309), which suggests that this may be a clinically significant amino acid residue. Algorithms developed to predict the effect of missense changes on protein structure and function are either unavailable or do not agree on the potential impact of this missense change (SIFT: "Tolerated"; PolyPhen-2: "Probably Damaging"; Align-GVGD: "Class C0"). This missense change has been observed in individual(s) with clinical features of chronic granulomatous disease (Invitae). This variant is not present in population databases (gnomAD no frequency). This sequence change replaces alanine, which is neutral and non-polar, with proline, which is neutral and non-polar, at codon 97 of the NCF2 protein (p.Ala97Pro).

Literature cited by the submitters: PubMed 32281309.